The following is an entry in ClinVar:

ClinVar aggregate classification (germline): Uncertain significance (1 of 4 stars; one submission).

Conditions:
Tuberous sclerosis 2 (TSC2). Identifiers: Orphanet 805, MedGen C1860707, MONDO:0013199, OMIM 613254.

Submission:

Labcorp Genetics (formerly Invitae), Labcorp
Classification: Uncertain significance for Tuberous sclerosis 2. Last evaluated: 2017-04-21. Review status: criteria provided, single submitter. Criteria: Invitae Variant Classification Sherloc (09022015). Collection method: clinical testing. Allele origin: germline.
Comment: This sequence change replaces arginine with methionine at codon 948 of the TSC2 protein (p.Arg948Met). The arginine residue is moderately conserved and there is a moderate physicochemical difference between arginine and methionine. This variant is not present in population databases (ExAC no frequency) and has not been reported in the literature in individuals with a TSC2-related disease. In summary, this variant is a novel missense change with uncertain impact on protein function. It has been classified as a Variant of Uncertain Significance. Algorithms developed to predict the effect of missense changes on protein structure and function do not agree on the potential impact of this missense change (SIFT: "Deleterious"; PolyPhen-2: "Possibly Damaging"; Align-GVGD: "Class C0").

NM_000548.5(TSC2):c.2843G>T (p.Arg948Met)

Gene: TSC2 (TSC complex subunit 2; plus strand). Cytogenetic location: 16p13.3.
Variant type: single nucleotide variant.
Coding change: c.2843G>T on transcript NM_000548.5 (MANE Select); coding-DNA position 2843, G replaced by T.
Protein change: p.Arg948Met; replaces arginine 948 with methionine.
Molecular consequence: missense variant. On other transcripts: intron variant (9).
Genome position (GRCh38, 1-based): chr16:2,077,603, G>T. VCF-style: chr16-2077603-G-T. GRCh37 (hg19) VCF-style: chr16-2127604-G-T.
Other names: c.2843G>T, p.Arg948Met (NM_001114382.3); c.2837+1018G>T (NM_021055.3, NM_001370405.1, NM_001363528.2 and 2 more transcripts); c.2726+1018G>T (NM_001318827.2); c.2237+1018G>T (NM_001318831.2); c.2690+1018G>T (NM_001318829.2); c.2870+1018G>T (NM_001318832.2); short protein forms R948M.
Identifiers: ClinVar variation 467975 (VCV000467975.8), dbSNP rs1555509449, ClinGen allele CA394280749.